The following is an entry in ClinVar:

ClinVar aggregate classification (germline): Pathogenic (1 of 4 stars; one submission).

Submission:

CeGaT Center for Human Genetics Tuebingen
Classification: Pathogenic. Last evaluated: 2024-09-01. Review status: criteria provided, single submitter. Criteria: CeGaT Center For Human Genetics Tuebingen Variant Classification Criteria Version 2. Collection method: clinical testing. Allele origin: germline. Affected: yes. Observed: 1 variant allele.
Comment: NUS1: PVS1, PM2

NM_138459.5(NUS1):c.622dup (p.Cys208fs)

Gene: NUS1 (NUS1 dehydrodolichyl diphosphate synthase subunit; plus strand). Cytogenetic location: 6q22.1.
Variant type: Duplication.
Coding change: c.622dup on transcript NM_138459.5 (MANE Select); coding-DNA position 622, one base duplicated (T; older notation c.622dupT).
Protein change: p.Cys208fs; shifts the reading frame from cysteine 208.
Molecular consequence: frameshift variant.
Genome position (GRCh38, 1-based): chr6:117,694,111, T duplicated; the last of 4 consecutive T bases (chr6:117,694,108-117,694,111); duplicating any one gives the same sequence. VCF-style (leftmost placement, unchanged base first): chr6-117694107-C-CT. GRCh37 (hg19) VCF-style: chr6-118015270-C-CT.
Other names: short protein forms C208fs.
Identifiers: ClinVar variation 3389727 (VCV003389727.14).